The following is an entry in ClinVar:

ClinVar aggregate classification (germline): Likely benign. Review status: criteria provided, multiple submitters, no conflicts (2 of 4 stars). 3 submissions from 3 submitters: Likely benign (3). Last evaluated 2023-11-20.

Conditions:
Cardiomyopathy (CMYO). Also called: Cardiomyopathies. Identifiers: Orphanet 167848, MedGen C0878544, MONDO:0004994, HP:0001638. Inheritance: Various modes of inheritance.
Hypertrophic cardiomyopathy. Also called: HYPERTROPHIC MYOCARDIOPATHY. Identifiers: Orphanet 217569, MedGen C0007194, MeSH D002312, MONDO:0005045, HP:0001639.

Allele frequency attached by ClinVar (database versions not stated): gnomAD 0.00001.
gnomAD v4.1: 1 of 1,599,958 alleles (0.000063%); highest among the groups gnomAD compares: African/African-American, 0.0013%; no homozygotes.

Submissions (3):

All of Us Research Program, National Institutes of Health
Classification: Likely benign for Hypertrophic cardiomyopathy. Last evaluated: 2023-11-20. Review status: criteria provided, single submitter. Criteria: ACMG Guidelines, 2015. Collection method: clinical testing. Allele origin: germline. Inheritance: Autosomal dominant inheritance. Observed: 1 variant allele, 1 heterozygote.
Comment: This study involves interpretation of variants in research participants for the purpose of population health screening. Participant phenotype was not available at the time of variant classification. Additional details can be found in publication PMID: 35346344, PMCID: PMC8962531

Color Diagnostics, LLC DBA Color Health
Classification: Likely benign for Cardiomyopathy. Last evaluated: 2023-11-08. Review status: criteria provided, single submitter. Criteria: ACMG Guidelines, 2015. Collection method: clinical testing. Allele origin: germline.

Blueprint Genetics
Classification: Likely benign. Last evaluated: 2023-08-22. Review status: criteria provided, single submitter. Criteria: ACMG Guidelines, 2015. Collection method: clinical testing. Allele origin: germline.

NM_001018005.2(TPM1):c.105G>A (p.Arg35=)

Gene: TPM1 (tropomyosin 1; plus strand). Cytogenetic location: 15q22.2.
Variant type: single nucleotide variant.
Coding change: c.105G>A on transcript NM_001018005.2 (MANE Select); coding-DNA position 105, G replaced by A.
Protein change: p.Arg35=; no amino-acid change (arginine 35 retained).
Molecular consequence: synonymous variant. On other transcripts: non-coding transcript variant (11).
Genome position (GRCh38, 1-based): chr15:63,042,934, G>A. VCF-style: chr15-63042934-G-A. GRCh37 (hg19) VCF-style: chr15-63335133-G-A.
Other names: c.105G>A, p.Arg35= (NM_000366.6, NM_001018004.2, NM_001018006.2 and 24 more transcripts).
Identifiers: ClinVar variation 3074695 (VCV003074695.3), dbSNP rs1448738061, ClinGen allele CA490677881.
Genomic context (GRCh38, chr15:63,042,934, plus strand): 5'-GGAGAACGCCTTGGATCGAGCTGAGCAGGCGGAGGCCGACAAGAAGGCGGCGGAAGACAG[G>A]AGCAAGCAGGTCTGCGCCTCCCCGGCCCTGCGCCCGCGCCCAGAGCGCCGGGACTCGAGC-3'
Protein context (NP_001018005.1, residues 25-45): AEADKKAAED[Arg35=]SKQLEDELVS